The following is an entry in ClinVar:

ClinVar aggregate classification (germline): Pathogenic (1 of 4 stars; one submission).

Submission:

CeGaT Center for Human Genetics Tuebingen
Classification: Pathogenic. Last evaluated: 2024-11-01. Review status: criteria provided, single submitter. Criteria: CeGaT Center For Human Genetics Tuebingen Variant Classification Criteria Version 2. Collection method: clinical testing. Allele origin: germline. Affected: yes. Observed: 1 variant allele.
Comment: SLC34A1: PVS1, PM2

NM_003052.5(SLC34A1):c.1271C>A (p.Ser424Ter)

Gene: SLC34A1 (solute carrier family 34 member 1; plus strand). Cytogenetic location: 5q35.3.
Variant type: single nucleotide variant.
Coding change: c.1271C>A on transcript NM_003052.5 (MANE Select); coding-DNA position 1271, C replaced by A.
Protein change: p.Ser424Ter; replaces serine 424 with a stop codon.
Molecular consequence: nonsense.
Genome position (GRCh38, 1-based): chr5:177,396,829, C>A. VCF-style: chr5-177396829-C-A. GRCh37 (hg19) VCF-style: chr5-176823830-C-A.
Other names: short protein forms S424*.
Identifiers: ClinVar variation 3390109 (VCV003390109.14).
Genomic context (GRCh38, chr5:177,396,829, plus strand): 5'-TTGCCATGGTGGTGGGCGCCAGCATGACCTTCGTGGTCCAGAGCAGTTCTGTGTTCACCT[C>A]GGCCATCACCCCACTCATCGGTGAGTGCCCATGTAGAGGTGGAGTGGGGTGGGCCAGGGC-3'